The following is an entry in ClinVar:

ClinVar aggregate classification (germline): Uncertain significance (1 of 4 stars; one submission).

Conditions:
Lowe syndrome (OCRL). Also called: LOWE OCULOCEREBRORENAL SYNDROME; PHOSPHATIDYLINOSITOL 4,5-BISPHOSPHATE 5-PHOSPHATASE DEFICIENCY; Oculocerebrorenal Syndrome. Identifiers: Orphanet 534, MedGen C0028860, MONDO:0010645, OMIM 309000.

Submission:

Labcorp Genetics (formerly Invitae), Labcorp
Classification: Uncertain significance for Lowe syndrome. Last evaluated: 2024-08-29. Review status: criteria provided, single submitter. Criteria: Invitae Variant Classification Sherloc (09022015). Collection method: clinical testing. Allele origin: germline.
Comment: This sequence change replaces leucine, which is neutral and non-polar, with phenylalanine, which is neutral and non-polar, at codon 615 of the OCRL protein (p.Leu615Phe). This variant is not present in population databases (gnomAD no frequency). This variant has not been reported in the literature in individuals affected with OCRL-related conditions. Invitae Evidence Modeling of protein sequence and biophysical properties (such as structural, functional, and spatial information, amino acid conservation, physicochemical variation, residue mobility, and thermodynamic stability) has been performed for this missense variant. However, the output from this modeling did not meet the statistical confidence thresholds required to predict the impact of this variant on OCRL protein function. In summary, the available evidence is currently insufficient to determine the role of this variant in disease. Therefore, it has been classified as a Variant of Uncertain Significance.

NM_000276.4(OCRL):c.1843C>T (p.Leu615Phe)

Gene: OCRL (OCRL inositol polyphosphate-5-phosphatase; plus strand). Cytogenetic location: Xq26.1.
Variant type: single nucleotide variant.
Coding change: c.1843C>T on transcript NM_000276.4 (MANE Select); coding-DNA position 1843, C replaced by T.
Protein change: p.Leu615Phe; replaces leucine 615 with phenylalanine.
Molecular consequence: missense variant.
Genome position (GRCh38, 1-based): chrX:129,576,026, C>T. VCF-style: chrX-129576026-C-T. GRCh37 (hg19) VCF-style: chrX-128710003-C-T.
Other names: c.1846C>T, p.Leu616Phe (NM_001318784.2); c.1843C>T, p.Leu615Phe (NM_001587.4); short protein forms L615F, L616F.
Identifiers: ClinVar variation 3672400 (VCV003672400.2).